The following is an entry in ClinVar:

NM_001963.6(EGF):c.662G>C (p.Arg221Thr)

Gene: EGF (epidermal growth factor; plus strand). Cytogenetic location: 4q25.
Variant type: single nucleotide variant.
Coding change: c.662G>C on transcript NM_001963.6 (MANE Select); coding-DNA position 662, G replaced by C.
Protein change: p.Arg221Thr; replaces arginine 221 with threonine.
Molecular consequence: missense variant.
Genome position (GRCh38, 1-based): chr4:109,943,994, G>C. VCF-style: chr4-109943994-G-C. GRCh37 (hg19) VCF-style: chr4-110865150-G-C.
Other names: c.662G>C, p.Arg221Thr (NM_001178130.3, NM_001178131.3, NM_001357021.2); short protein forms R221T.
Identifiers: ClinVar variation 899985 (VCV000899985.11), dbSNP rs144437729, ClinGen allele CA3043460.

ClinVar aggregate classification (germline): Uncertain significance. Review status: criteria provided, multiple submitters, no conflicts (2 of 4 stars). 4 submissions from 4 submitters: Uncertain significance (4). Last evaluated 2025-11-25.

Conditions:
Renal hypomagnesemia 4. Also called: HYPOMAGNESEMIA, RENAL, NORMOCALCIURIC. Identifiers: Orphanet 34527, MedGen C2673648, MONDO:0012717, OMIM 611718.

Allele frequency attached by ClinVar (database versions not stated): gnomAD 0.00062 and 0.00065; TOPMed 0.00065; gnomAD exomes 0.00066; ExAC 0.00073; ESP Exome Variant Server 0.00085.
gnomAD v4.1: 1,159 of 1,614,226 alleles (0.072%); highest among the groups gnomAD compares: Non-Finnish European, 0.089%; 1 homozygote.

Submissions (4):

Labcorp Genetics (formerly Invitae), Labcorp
Classification: Uncertain significance. Last evaluated: 2025-11-25. Review status: criteria provided, single submitter. Criteria: Invitae Variant Classification Sherloc (09022015). Collection method: clinical testing. Allele origin: germline.
Comment: This sequence change replaces arginine, which is basic and polar, with threonine, which is neutral and polar, at codon 221 of the EGF protein (p.Arg221Thr). This variant is present in population databases (rs144437729, gnomAD 0.1%), and has an allele count higher than expected for a pathogenic variant. This variant has not been reported in the literature in individuals affected with EGF-related conditions. ClinVar contains an entry for this variant (Variation ID: 899985). An algorithm developed to predict the effect of missense changes on protein structure and function outputs the following: PolyPhen-2: "Benign". The threonine amino acid residue is found in multiple mammalian species, which suggests that this missense change does not adversely affect protein function. In summary, the available evidence is currently insufficient to determine the role of this variant in disease. Therefore, it has been classified as a Variant of Uncertain Significance.

Fulgent Genetics
Classification: Uncertain significance for Renal hypomagnesemia 4. Last evaluated: 2022-05-26. Review status: criteria provided, single submitter. Criteria: ACMG Guidelines, 2015. Collection method: clinical testing. Allele origin: unknown.

Illumina Laboratory Services, Illumina
Classification: Uncertain significance for Renal hypomagnesemia 4. Last evaluated: 2017-04-27. Review status: criteria provided, single submitter. Criteria: ICSL Variant Classification Criteria 13 December 2019. Collection method: clinical testing. Allele origin: germline.

Breakthrough Genomics
Classification: Uncertain significance. Review status: criteria provided, single submitter. Criteria: ACMG Guidelines, 2015. Collection method: not provided. Allele origin: germline. Inheritance: Autosomal recessive inheritance. Affected: yes.